The following is an entry in ClinVar:

NM_000053.4(ATP7B):c.1027T>C (p.Ser343Pro)

Gene: ATP7B (ATPase copper transporting beta; minus strand). Cytogenetic location: 13q14.3.
Variant type: single nucleotide variant.
Coding change: c.1027T>C on transcript NM_000053.4 (MANE Select); coding-DNA position 1027, T replaced by C.
Protein change: p.Ser343Pro; replaces serine 343 with proline.
Molecular consequence: missense variant. On other transcripts: intron variant (1).
Genome position (GRCh38, 1-based): chr13:51,974,193, A>G on the plus strand (T>C on the coding strand, the complement: ATP7B is on the minus strand). VCF-style: chr13-51974193-A-G. GRCh37 (hg19) VCF-style: chr13-52548329-A-G.
Other names: c.1027T>C, p.Ser343Pro (NM_001005918.3, NM_001330578.2, NM_001330579.2); c.803-109T>C (NM_001243182.2); short protein forms S343P.
Identifiers: ClinVar variation 1364284 (VCV001364284.7), dbSNP rs2140077796, ClinGen allele CA388039449.
Genomic context (GRCh38, chr13:51,974,193, plus strand): 5'-TCAGAGTGGTACTGCATGTGCCCTGGACCTGGTTTCTCGGTGGGGAGCCAGGGGAATGAG[A>G]ACTGGAAGACCTGTGATCTGTCCCACTCCCTTCGGCTCCATCAGGAAGAGAAACTTTAAA-3'
Protein context (NP_000044.2, residues 333-353): GSGTDHRSSS[Ser343Pro]HSPGSPPRNQ

ClinVar aggregate classification (germline): Conflicting classifications of pathogenicity. Review status: criteria provided, conflicting classifications (1 of 4 stars). 3 submissions from 3 submitters: Uncertain significance (2); Likely benign (1). Last evaluated 2025-06-19.

Conditions:
Wilson disease (WND). Also called: Wilson's disease. Identifiers: Orphanet 905, MedGen C0019202, MONDO:0010200, OMIM 277900. Disease mechanism: loss of function.

Allele frequency attached by ClinVar (database versions not stated): gnomAD exomes below 0.00001.
gnomAD v4.1: 2 of 1,613,808 alleles (0.00012%); highest among the groups gnomAD compares: Non-Finnish European, 0.00017%; no homozygotes.

Submissions (3):

Color Diagnostics, LLC DBA Color Health
Classification: Likely benign for Wilson disease. Last evaluated: 2025-06-19. Review status: criteria provided, single submitter. Criteria: ACMG Guidelines, 2015. Collection method: clinical testing. Allele origin: germline.

All of Us Research Program, National Institutes of Health
Classification: Uncertain significance for Wilson disease. Last evaluated: 2023-05-16. Review status: criteria provided, single submitter. Criteria: ACMG Guidelines, 2015. Collection method: clinical testing. Allele origin: germline. Inheritance: Autosomal recessive inheritance. Observed: 1 variant allele, 1 heterozygote.
Comment: This missense variant replaces serine with proline at codon 343 of the ATP7B protein. Computational prediction suggests that this variant may not impact protein structure and function (internally defined REVEL score threshold <= 0.5, PMID: 27666373). To our knowledge, functional studies have not been reported for this variant. This variant has not been reported in individuals affected with ATP7B-related disorders in the literature. This variant has not been identified in the general population by the Genome Aggregation Database (gnomAD). The available evidence is insufficient to determine the role of this variant in disease conclusively. Therefore, this variant is classified as a Variant of Uncertain Significance.

This study involves interpretation of variants in research participants for the purpose of population health screening. Participant phenotype was not available at the time of variant classification. Additional details can be found in publication PMID: 35346344, PMCID: PMC8962531

Labcorp Genetics (formerly Invitae), Labcorp
Classification: Uncertain significance for Wilson disease. Last evaluated: 2021-09-17. Review status: criteria provided, single submitter. Criteria: Invitae Variant Classification Sherloc (09022015). Collection method: clinical testing. Allele origin: germline.
Comment: This sequence change replaces serine with proline at codon 343 of the ATP7B protein (p.Ser343Pro). The serine residue is weakly conserved and there is a moderate physicochemical difference between serine and proline. This variant is not present in population databases (ExAC no frequency). This variant has not been reported in the literature in individuals with ATP7B-related conditions. Advanced modeling of protein sequence and biophysical properties (such as structural, functional, and spatial information, amino acid conservation, physicochemical variation, residue mobility, and thermodynamic stability) performed at Invitae indicates that this missense variant is not expected to disrupt ATP7B protein function. In summary, the available evidence is currently insufficient to determine the role of this variant in disease. Therefore, it has been classified as a Variant of Uncertain Significance.